The following is an entry in ClinVar:

ClinVar aggregate classification (germline): Benign. Review status: criteria provided, multiple submitters, no conflicts (2 of 4 stars). 3 submissions from 3 submitters: Benign (2). 1 of the submissions does not count toward it. Last evaluated 2018-07-23.

Conditions:
NAA50-related disorder. Also called: NAA50-related condition.

Allele frequency attached by ClinVar (database versions not stated): gnomAD exomes 0.00182 and 0.00341; ExAC 0.00344; 1000 Genomes Project 0.00699; ESP Exome Variant Server 0.00792; gnomAD 0.00849 and 0.00903; 1000 Genomes Project 30x 0.00874; TOPMed 0.01033.
gnomAD v4.1: 4,070 of 1,569,336 alleles (0.26%); highest among the groups gnomAD compares: African/African-American, 2.4%; 31 homozygotes.

Submissions (15):

Labcorp Genetics (formerly Invitae), Labcorp
Classification: Benign. Last evaluated: 2018-07-23. Review status: criteria provided, single submitter. Criteria: Invitae Variant Classification Sherloc (09022015). Collection method: clinical testing. Allele origin: germline.

Breakthrough Genomics
Classification: Benign. Review status: criteria provided, single submitter. Criteria: ACMG Guidelines, 2015. Collection method: not provided. Allele origin: germline. Inheritance: Unknown mechanism. Affected: yes.

PreventionGenetics, part of Exact Sciences
Classification: Benign for NAA50-related condition. Last evaluated: 2019-11-19. Review status: no assertion criteria provided. Collection method: clinical testing. Allele origin: germline. Not counted in ClinVar's aggregate classification.
Comment: This variant is classified as benign based on ACMG/AMP sequence variant interpretation guidelines (Richards et al. 2015 PMID: 25741868, with internal and published modifications).

Dr. Peter K. Rogan Lab, Western University
No classification provided (evidence only). Condition: Cervical cancer. Review status: no classification provided. Collection method: in vitro. Allele origin: not applicable. Functional consequence: skipped exon. Not counted in ClinVar's aggregate classification.

Dr. Peter K. Rogan Lab, Western University
No classification provided (evidence only). Condition: Cervical cancer. Review status: no classification provided. Collection method: in vitro. Allele origin: not applicable. Functional consequence: retained intron. Not counted in ClinVar's aggregate classification.

Dr. Peter K. Rogan Lab, Western University
No classification provided (evidence only). Condition: Cervical cancer. Review status: no classification provided. Collection method: in vitro. Allele origin: not applicable. Functional consequence: retained intron. Not counted in ClinVar's aggregate classification.

Dr. Peter K. Rogan Lab, Western University
No classification provided (evidence only). Condition: Malignant lymphoma, large B-cell, diffuse. Review status: no classification provided. Collection method: in vitro. Allele origin: not applicable. Functional consequence: retained intron. Not counted in ClinVar's aggregate classification.

Dr. Peter K. Rogan Lab, Western University
No classification provided (evidence only). Condition: Thymoma. Review status: no classification provided. Collection method: in vitro. Allele origin: not applicable. Functional consequence: retained intron. Not counted in ClinVar's aggregate classification.

Dr. Peter K. Rogan Lab, Western University
No classification provided (evidence only). Condition: Ovarian serous cystadenocarcinoma. Review status: no classification provided. Collection method: in vitro. Allele origin: not applicable. Functional consequence: retained intron. Not counted in ClinVar's aggregate classification.

Dr. Peter K. Rogan Lab, Western University
No classification provided (evidence only). Condition: Ovarian serous cystadenocarcinoma. Review status: no classification provided. Collection method: in vitro. Allele origin: not applicable. Functional consequence: retained intron. Not counted in ClinVar's aggregate classification.

Dr. Peter K. Rogan Lab, Western University
No classification provided (evidence only). Condition: Gastric cancer. Review status: no classification provided. Collection method: in vitro. Allele origin: not applicable. Functional consequence: retained intron. Not counted in ClinVar's aggregate classification.

Dr. Peter K. Rogan Lab, Western University
No classification provided (evidence only). Condition: Malignant tumor of esophagus. Review status: no classification provided. Collection method: in vitro. Allele origin: not applicable. Functional consequence: retained intron. Not counted in ClinVar's aggregate classification.

Dr. Peter K. Rogan Lab, Western University
No classification provided (evidence only). Condition: Chronic lymphocytic leukemia/small lymphocytic lymphoma. Review status: no classification provided. Collection method: in vitro. Allele origin: not applicable. Functional consequence: retained intron. Not counted in ClinVar's aggregate classification.

Dr. Peter K. Rogan Lab, Western University
No classification provided (evidence only). Condition: Chronic lymphocytic leukemia/small lymphocytic lymphoma. Review status: no classification provided. Collection method: in vitro. Allele origin: not applicable. Functional consequence: retained intron. Not counted in ClinVar's aggregate classification.

Dr. Peter K. Rogan Lab, Western University
No classification provided (evidence only). Condition: Familial pancreatic carcinoma. Review status: no classification provided. Collection method: in vitro. Allele origin: not applicable. Functional consequence: retained intron. Not counted in ClinVar's aggregate classification.

NM_025146.4(NAA50):c.145+8A>G

Gene: NAA50 (N-alpha-acetyltransferase 50, NatE catalytic subunit; minus strand). Cytogenetic location: 3q13.31.
Variant type: single nucleotide variant.
Coding change: c.145+8A>G on transcript NM_025146.4 (MANE Select); 8 bases into the intron after coding-DNA position 145, A replaced by G.
Molecular consequence: intron variant.
Genome position (GRCh38, 1-based): chr3:113,723,951, T>C on the plus strand (A>G on the coding strand, the complement: NAA50 is on the minus strand). VCF-style: chr3-113723951-T-C. GRCh37 (hg19) VCF-style: chr3-113442798-T-C.
Other names: NC_000003.11:g.113442798T>C; c.142+8A>G (NM_001308445.2).
Identifiers: ClinVar variation 716307 (VCV000716307.7), dbSNP rs114234573, ClinGen allele CA2547676.